The following is an entry in ClinVar:

NM_000283.4(PDE6B):c.896C>T (p.Pro299Leu)

Genes: PDE6B (phosphodiesterase 6B; plus strand), PDE6B-AS1 (PDE6B antisense RNA 1; minus strand). Cytogenetic location: 4p16.3.
Variant type: single nucleotide variant.
Coding change: c.896C>T on transcript NM_000283.4 (MANE Select); coding-DNA position 896, C replaced by T.
Protein change: p.Pro299Leu; replaces proline 299 with leucine.
Molecular consequence: missense variant. On other transcripts: 5 prime UTR variant (1).
Genome position (GRCh38, 1-based): chr4:654,123, C>T. VCF-style: chr4-654123-C-T. GRCh37 (hg19) VCF-style: chr4-647912-C-T.
Other names: c.896C>T, p.Pro299Leu (NM_001145291.2); c.59C>T, p.Pro20Leu (NM_001145292.2, NM_001350154.3, NM_001379246.1 and 1 more transcripts); c.-145C>T (NM_001350155.3); c.896C>T (NM_000283.3); short protein forms P20L, P299L.
Identifiers: ClinVar variation 1919586 (VCV001919586.6), dbSNP rs745739451, ClinGen allele CA2794165.

ClinVar aggregate classification (germline): Uncertain significance. Review status: criteria provided, multiple submitters, no conflicts (2 of 4 stars). 2 submissions from 2 submitters: Uncertain significance (2). Last evaluated 2026-04-27.

Conditions:
PDE6B-related disorder. Also called: PDE6B-related disorders; PDE6B-related disease; PDE6B-related condition.

Allele frequency attached by ClinVar (database versions not stated): gnomAD 0.00001; gnomAD exomes 0.00001; ExAC 0.00002; TOPMed 0.00002.
gnomAD v4.1: 11 of 1,613,734 alleles (0.00068%); highest among the groups gnomAD compares: Admixed American, 0.0033%; no homozygotes.

Submissions (2):

PreventionGenetics, part of Exact Sciences
Classification: Uncertain significance for PDE6B-related condition. Last evaluated: 2026-04-27. Review status: criteria provided, single submitter. Criteria: ACMG Guidelines, 2015. Collection method: clinical testing. Allele origin: germline.
Comment: The PDE6B c.896C>T variant is predicted to result in the amino acid substitution p.Pro299Leu. To our knowledge, this variant has not been reported in the literature. This variant is reported in 0.0029% of alleles in individuals of Latino descent in gnomAD. At this time, the clinical significance of this variant is uncertain due to the absence of conclusive functional and genetic evidence.

Labcorp Genetics (formerly Invitae), Labcorp
Classification: Uncertain significance. Last evaluated: 2024-07-06. Review status: criteria provided, single submitter. Criteria: Invitae Variant Classification Sherloc (09022015). Collection method: clinical testing. Allele origin: germline.
Comment: This sequence change replaces proline, which is neutral and non-polar, with leucine, which is neutral and non-polar, at codon 299 of the PDE6B protein (p.Pro299Leu). This variant is present in population databases (rs745739451, gnomAD 0.003%). This variant has not been reported in the literature in individuals affected with PDE6B-related conditions. ClinVar contains an entry for this variant (Variation ID: 1919586). Advanced modeling of protein sequence and biophysical properties (such as structural, functional, and spatial information, amino acid conservation, physicochemical variation, residue mobility, and thermodynamic stability) has been performed at Invitae for this missense variant, however the output from this modeling did not meet the statistical confidence thresholds required to predict the impact of this variant on PDE6B protein function. In summary, the available evidence is currently insufficient to determine the role of this variant in disease. Therefore, it has been classified as a Variant of Uncertain Significance.